The following is an entry in ClinVar:

ClinVar aggregate classification (germline): Uncertain significance (1 of 4 stars; one submission).

Conditions:
Wilson disease (WND). Also called: Wilson's disease. Identifiers: Orphanet 905, MedGen C0019202, MONDO:0010200, OMIM 277900. Disease mechanism: loss of function.

Allele frequency attached by ClinVar (database versions not stated): gnomAD exomes below 0.00001.
gnomAD v4.1: 4 of 1,614,020 alleles (0.00025%); highest among the groups gnomAD compares: Non-Finnish European, 0.00034%; no homozygotes.

Submission:

Labcorp Genetics (formerly Invitae), Labcorp
Classification: Uncertain significance for Wilson disease. Last evaluated: 2022-06-07. Review status: criteria provided, single submitter. Criteria: Invitae Variant Classification Sherloc (09022015). Collection method: clinical testing. Allele origin: germline.
Comment: In summary, the available evidence is currently insufficient to determine the role of this variant in disease. Therefore, it has been classified as a Variant of Uncertain Significance. Advanced modeling of protein sequence and biophysical properties (such as structural, functional, and spatial information, amino acid conservation, physicochemical variation, residue mobility, and thermodynamic stability) performed at Invitae indicates that this missense variant is not expected to disrupt ATP7B protein function. This variant has not been reported in the literature in individuals affected with ATP7B-related conditions. This variant is not present in population databases (gnomAD no frequency). This sequence change replaces lysine, which is basic and polar, with arginine, which is basic and polar, at codon 644 of the ATP7B protein (p.Lys644Arg).

NM_000053.4(ATP7B):c.1931A>G (p.Lys644Arg)

Gene: ATP7B (ATPase copper transporting beta; minus strand). Cytogenetic location: 13q14.3.
Variant type: single nucleotide variant.
Coding change: c.1931A>G on transcript NM_000053.4 (MANE Select); coding-DNA position 1931, A replaced by G.
Protein change: p.Lys644Arg; replaces lysine 644 with arginine.
Molecular consequence: missense variant. On other transcripts: intron variant (2).
Genome position (GRCh38, 1-based): chr13:51,961,852, T>C on the plus strand (A>G on the coding strand, the complement: ATP7B is on the minus strand). VCF-style: chr13-51961852-T-C. GRCh37 (hg19) VCF-style: chr13-52535988-T-C.
Other names: c.1835A>G, p.Lys612Arg (NM_001406518.1, NM_001406530.1, NM_001406536.1 and 1 more transcripts); c.1931A>G, p.Lys644Arg (NM_001406519.1, NM_001406520.1, NM_001406521.1 and 16 more transcripts); c.1898A>G, p.Lys633Arg (NM_001406524.1, NM_001406514.1); c.1502A>G, p.Lys501Arg (NM_001406539.1); c.1869+3020A>G (NM_001005918.3, NM_001330579.2); c.1598A>G, p.Lys533Arg (NM_001243182.2); short protein forms K501R, K612R, K533R, K633R, K644R.
Identifiers: ClinVar variation 2151248 (VCV002151248.4), dbSNP rs2547733988, ClinGen allele CA388027427.